The following is an entry in ClinVar:

ClinVar aggregate classification (germline): Uncertain significance (1 of 4 stars; one submission).

gnomAD v4.1: 1 of 1,614,186 alleles (0.000062%); highest among the groups gnomAD compares: Non-Finnish European, 0.000085%; no homozygotes.

Submission:

Labcorp Genetics (formerly Invitae), Labcorp
Classification: Uncertain significance. Last evaluated: 2022-08-27. Review status: criteria provided, single submitter. Criteria: Invitae Variant Classification Sherloc (09022015). Collection method: clinical testing. Allele origin: germline.
Comment: In summary, the available evidence is currently insufficient to determine the role of this variant in disease. Therefore, it has been classified as a Variant of Uncertain Significance. Algorithms developed to predict the effect of missense changes on protein structure and function are either unavailable or do not agree on the potential impact of this missense change (SIFT: "Deleterious"; PolyPhen-2: "Possibly Damaging"; Align-GVGD: "Class C0"). This variant has not been reported in the literature in individuals affected with TTC37-related conditions. This variant is not present in population databases (gnomAD no frequency). This sequence change replaces serine, which is neutral and polar, with proline, which is neutral and non-polar, at codon 1308 of the TTC37 protein (p.Ser1308Pro).

NM_014639.4(SKIC3):c.3922T>C (p.Ser1308Pro)

Gene: SKIC3 (SKI3 subunit of superkiller complex; minus strand). Cytogenetic location: 5q15.
Variant type: single nucleotide variant.
Coding change: c.3922T>C on transcript NM_014639.4 (MANE Select); coding-DNA position 3922, T replaced by C.
Protein change: p.Ser1308Pro; replaces serine 1308 with proline.
Molecular consequence: missense variant.
Genome position (GRCh38, 1-based): chr5:95,490,917, A>G on the plus strand (T>C on the coding strand, the complement: SKIC3 is on the minus strand). VCF-style: chr5-95490917-A-G. GRCh37 (hg19) VCF-style: chr5-94826621-A-G.
Other names: short protein forms S1308P.
Identifiers: ClinVar variation 2053999 (VCV002053999.4), dbSNP rs2530705759, ClinGen allele CA360447643.
Genomic context (GRCh38, chr5:95,490,917, plus strand): 5'-ATTCAAGAAATCTGAATTAAATCATGTATAAAGATGCTTTTAAAAACTTACTTGAAGCAG[A>G]AACAGCAGATAACAGTGCCAAGTATAAATCTATCCTCTTTGGCTGAGTGTTGTTCACTAA-3'
Protein context (NP_055454.1, residues 1298-1318): DLYLALLSAV[Ser1308Pro]ASIKDEKFFE